The following is an entry in ClinVar:

ClinVar aggregate classification (germline): Uncertain significance (1 of 4 stars; one submission).

Conditions:
Hereditary hyperekplexia. Identifiers: Orphanet 3197, MedGen C4084968, MONDO:0021022.

Submission:

Labcorp Genetics (formerly Invitae), Labcorp
Classification: Uncertain significance for Hereditary hyperekplexia. Last evaluated: 2024-07-08. Review status: criteria provided, single submitter. Criteria: Invitae Variant Classification Sherloc (09022015). Collection method: clinical testing. Allele origin: germline.
Comment: This sequence change replaces glycine, which is neutral and non-polar, with alanine, which is neutral and non-polar, at codon 360 of the GLRA1 protein (p.Gly360Ala). This variant is not present in population databases (gnomAD no frequency). This variant has not been reported in the literature in individuals affected with GLRA1-related conditions. Advanced modeling of protein sequence and biophysical properties (such as structural, functional, and spatial information, amino acid conservation, physicochemical variation, residue mobility, and thermodynamic stability) has been performed at Invitae for this missense variant, however the output from this modeling did not meet the statistical confidence thresholds required to predict the impact of this variant on GLRA1 protein function. In summary, the available evidence is currently insufficient to determine the role of this variant in disease. Therefore, it has been classified as a Variant of Uncertain Significance.

NM_000171.4(GLRA1):c.1079G>C (p.Gly360Ala)

Gene: GLRA1 (glycine receptor alpha 1; minus strand). Cytogenetic location: 5q33.1.
Variant type: single nucleotide variant.
Coding change: c.1079G>C on transcript NM_000171.4 (MANE Select); coding-DNA position 1079, G replaced by C.
Protein change: p.Gly360Ala; replaces glycine 360 with alanine.
Molecular consequence: missense variant.
Genome position (GRCh38, 1-based): chr5:151,822,944, C>G on the plus strand (G>C on the coding strand, the complement: GLRA1 is on the minus strand). VCF-style: chr5-151822944-C-G. GRCh37 (hg19) VCF-style: chr5-151202505-C-G.
Other names: c.1103G>C, p.Gly368Ala (NM_001146040.2); c.830G>C, p.Gly277Ala (NM_001292000.2); short protein forms G368A, G277A, G360A.
Identifiers: ClinVar variation 3693849 (VCV003693849.2).
Genomic context (GRCh38, chr5:151,822,944, plus strand): 5'-ATGCCATCCTTGGCCTGTAGACAGGCTGGGCCCATCCCATAGGCAGAGAAGTTAAAGCGG[C>G]CTTCTCCAGCTTCATCCTCCTGGAATAGATTCAACATGGGGCTCTACTTAAAATAAGACA-3'
Protein context (NP_000162.2, residues 350-370): RHHKEDEAGE[Gly360Ala]RFNFSAYGMG